The following is an entry in ClinVar:

NM_015100.4(POGZ):c.3356T>A (p.Leu1119Ter)

Gene: POGZ (pogo transposable element derived with ZNF domain; minus strand). Cytogenetic location: 1q21.3.
Variant type: single nucleotide variant.
Coding change: c.3356T>A on transcript NM_015100.4 (MANE Select); coding-DNA position 3356, T replaced by A.
Protein change: p.Leu1119Ter; replaces leucine 1119 with a stop codon.
Molecular consequence: nonsense.
Genome position (GRCh38, 1-based): chr1:151,405,679, A>T on the plus strand (T>A on the coding strand, the complement: POGZ is on the minus strand). VCF-style: chr1-151405679-A-T. GRCh37 (hg19) VCF-style: chr1-151378155-A-T.
Other names: c.3329T>A, p.Leu1110Ter (NM_001194937.2); c.3170T>A, p.Leu1057Ter (NM_001194938.2); c.3377T>A, p.Leu1126Ter (NM_001410860.1); c.3071T>A, p.Leu1024Ter (NM_145796.4); c.3197T>A, p.Leu1066Ter (NM_207171.2); short protein forms L1057*, L1110*, L1119*, L1126*, L1024*, L1066*.
Identifiers: ClinVar variation 1730549 (VCV001730549.2), dbSNP rs2529202364, ClinGen allele CA341943633.

ClinVar aggregate classification (germline): Pathogenic (1 of 4 stars; one submission).

Conditions:
Inborn genetic diseases. Identifiers: MedGen C0950123, MeSH D030342.

Submission:

Ambry Genetics
Classification: Pathogenic for Inborn genetic diseases. Last evaluated: 2016-08-23. Review status: criteria provided, single submitter. Criteria: Ambry Variant Classification Scheme 2023. Collection method: clinical testing. Allele origin: germline.
Comment: The p.L1119* pathogenic mutation (also known as c.3356T>A), located in coding exon 18 of the POGZ gene, results from a T to A substitution at nucleotide position 3356. This changes the amino acid from a leucine to a stop codon within coding exon 18. This alteration is expected to result in loss of function by premature protein truncation or nonsense-mediated mRNA decay. As such, this alteration is interpreted as a disease-causing mutation.